The following is an entry in ClinVar:

NM_000501.4(ELN):c.1748-3C>T

Genes: ELN (elastin; plus strand), ELN-AS1 (ELN antisense RNA 1; minus strand). Cytogenetic location: 7q11.23.
Variant type: single nucleotide variant.
Coding change: c.1748-3C>T on transcript NM_000501.4 (MANE Select); 3 bases into the intron before coding-DNA position 1748, C replaced by T.
Molecular consequence: intron variant.
Genome position (GRCh38, 1-based): chr7:74,061,098, C>T. VCF-style: chr7-74061098-C-T. GRCh37 (hg19) VCF-style: chr7-73475428-C-T.
Other names: c.1763-3C>T (NM_001081754.3); c.1706-3C>T (NM_001081753.3); c.1934-3C>T (NM_001278939.2); c.1766-3C>T (NM_001278915.2); c.1748-3C>T (NM_001278912.2); c.1691-3C>T (NM_001081755.3); c.1604-3C>T (NM_001278916.2); c.1505-3C>T (NM_001278913.2); and 4 more.
Identifiers: ClinVar variation 2741472 (VCV002741472.3), dbSNP rs2486382826, ClinGen allele CA2697557329.
Genomic context (GRCh38, chr7:74,061,098, plus strand): 5'-CGGCAGAACTCCCAGGCACAGAGCTCGGCTCCTGACCACTCCCCAACTTTTCTTTCTCCC[C>T]AGTACCTGGAGCCCTGGCTGCCGCTAAAGCAGCCAAATATGGTGAGTGCACCCCACAACC-3'

ClinVar aggregate classification (germline): Uncertain significance (1 of 4 stars; one submission).

Conditions:
Supravalvar aortic stenosis (SVAS). Also called: Supravalvar aortic stenosis, Eisenberg type. Identifiers: Orphanet 3193, MedGen C0003499, MONDO:0008504, OMIM 185500, HP:0004381.

Submission:

Labcorp Genetics (formerly Invitae), Labcorp
Classification: Uncertain significance for Supravalvar aortic stenosis. Last evaluated: 2026-01-28. Review status: criteria provided, single submitter. Criteria: Invitae Variant Classification Sherloc (09022015). Collection method: clinical testing. Allele origin: germline.
Comment: This sequence change falls in intron 26 of the ELN gene. It does not directly change the encoded amino acid sequence of the ELN protein. It affects a nucleotide within the consensus splice site. This variant is not present in population databases (gnomAD no frequency). This variant has not been reported in the literature in individuals affected with ELN-related conditions. ClinVar contains an entry for this variant (Variation ID: 2741472). Variants that disrupt the consensus splice site are a relatively common cause of aberrant splicing (PMID: 17576681, 9536098). Algorithms developed to predict the effect of sequence changes on RNA splicing suggest that this variant is not likely to affect RNA splicing. In summary, the available evidence is currently insufficient to determine the role of this variant in disease. Therefore, it has been classified as a Variant of Uncertain Significance.

Literature cited by the submitters: PubMed 17576681; PubMed 9536098.